The following is an entry in ClinVar:

NM_000264.5(PTCH1):c.1385G>A (p.Cys462Tyr)

Gene: PTCH1 (patched 1; minus strand). Cytogenetic location: 9q22.32.
Variant type: single nucleotide variant.
Coding change: c.1385G>A on transcript NM_000264.5 (MANE Select); coding-DNA position 1385, G replaced by A.
Protein change: p.Cys462Tyr; replaces cysteine 462 with tyrosine.
Molecular consequence: missense variant. On other transcripts: non-coding transcript variant (1), intron variant (1).
Genome position (GRCh38, 1-based): chr9:95,477,665, C>T on the plus strand (G>A on the coding strand, the complement: PTCH1 is on the minus strand). VCF-style: chr9-95477665-C-T. GRCh37 (hg19) VCF-style: chr9-98239947-C-T.
Other names: c.1187G>A, p.Cys396Tyr (NM_001083602.3); c.1382G>A, p.Cys461Tyr (NM_001083603.3); c.932G>A, p.Cys311Tyr (NM_001083604.3, NM_001083605.3, NM_001083606.3 and 1 more transcripts); c.1347+390G>A (NM_001354918.2); short protein forms C396Y, C462Y, C311Y, C461Y.
Identifiers: ClinVar variation 4675174 (VCV004675174.2).

ClinVar aggregate classification (germline): Uncertain significance (1 of 4 stars; one submission).

Conditions:
Hereditary cancer-predisposing syndrome. Also called: Neoplastic Syndromes, Hereditary; Tumor predisposition; Hereditary Cancer Syndrome; Hereditary neoplastic syndrome. Identifiers: Orphanet 140162, MedGen C0027672, MeSH D009386, MONDO:0015356.

gnomAD v4.1: 6 of 1,614,182 alleles (0.00037%); highest among the groups gnomAD compares: Non-Finnish European, 0.00051%; no homozygotes.

Submission:

Ambry Genetics
Classification: Uncertain significance for Hereditary cancer-predisposing syndrome. Last evaluated: 2026-04-23. Review status: criteria provided, single submitter. Criteria: Ambry Variant Classification Scheme 2023. Collection method: clinical testing. Allele origin: germline.
Comment: The p.C462Y variant (also known as c.1385G>A), located in coding exon 10 of the PTCH1 gene, results from a G to A substitution at nucleotide position 1385. The cysteine at codon 462 is replaced by tyrosine, an amino acid with highly dissimilar properties. This amino acid position is conserved. In addition, this alteration is predicted to be deleterious by in silico analysis. Based on the available evidence, the clinical significance of this variant remains unclear.